The following is an entry in ClinVar:

ClinVar aggregate classification (germline): Conflicting classifications of pathogenicity. Review status: criteria provided, conflicting classifications (1 of 4 stars). 4 submissions from 4 submitters: Uncertain significance (1); Likely benign (3). Last evaluated 2025-11-17.

Conditions:
Leukodystrophy, hypomyelinating, 7, with or without oligodontia and/or hypogonadotropic hypogonadism (HLD7). Also called: LEUKODYSTROPHY, HYPOMYELINATING, 7, WITH OLIGODONTIA; LEUKODYSTROPHY, HYPOMYELINATING, 7, WITH OLIGODONTIA AND HYPOGONADOTROPIC HYPOGONADISM; LEUKODYSTROPHY, HYPOMYELINATING, 7, WITHOUT OLIGODONTIA OR HYPOGONADOTROPIC HYPOGONADISM; LEUKOENCEPHALOPATHY, HYPOMYELINATING, WITH ATAXIA AND DELAYED DENTITION; ATAXIA, DELAYED DENTITION, AND HYPOMYELINATION; Ataxia, Delayed Dentition and Hypomyelination (ADDH). Identifiers: Orphanet 137639, Orphanet 447893, Orphanet 447896, Orphanet 77295, Orphanet 88637, MedGen CN034185, MONDO:0011897, OMIM 607694.

Allele frequency attached by ClinVar (database versions not stated): gnomAD exomes 0.00005 and 0.00013; ExAC 0.00010; gnomAD 0.00010 and 0.00011; TOPMed 0.00010; 1000 Genomes Project 0.00040; 1000 Genomes Project 30x 0.00078.
gnomAD v4.1: 94 of 1,613,946 alleles (0.0058%); highest among the groups gnomAD compares: South Asian, 0.042%; no homozygotes.

Submissions (4):

Labcorp Genetics (formerly Invitae), Labcorp
Classification: Likely benign. Last evaluated: 2025-11-17. Review status: criteria provided, single submitter. Criteria: Invitae Variant Classification Sherloc (09022015). Collection method: clinical testing. Allele origin: germline.

Blueprint Genetics
Classification: Likely benign. Last evaluated: 2024-09-11. Review status: criteria provided, single submitter. Criteria: ACMG Guidelines, 2015. Collection method: clinical testing. Allele origin: germline.

CeGaT Center for Human Genetics Tuebingen
Classification: Likely benign. Last evaluated: 2022-04-01. Review status: criteria provided, single submitter. Criteria: CeGaT Center For Human Genetics Tuebingen Variant Classification Criteria Version 2. Collection method: clinical testing. Allele origin: germline. Affected: yes. Observed: 1 variant allele.
Comment: POLR3A: BP4, BP7

Illumina Laboratory Services, Illumina
Classification: Uncertain significance for Leukodystrophy, hypomyelinating, 7, with or without oligodontia and/or hypogonadotropic hypogonadism. Last evaluated: 2018-01-13. Review status: criteria provided, single submitter. Criteria: ICSL Variant Classification Criteria 13 December 2019. Collection method: clinical testing. Allele origin: germline.

NM_007055.4(POLR3A):c.3990C>T (p.Asp1330=)

Gene: POLR3A (RNA polymerase III subunit A; minus strand). Cytogenetic location: 10q22.3.
Variant type: single nucleotide variant.
Coding change: c.3990C>T on transcript NM_007055.4 (MANE Select); coding-DNA position 3990, C replaced by T.
Protein change: p.Asp1330=; no amino-acid change (aspartic acid 1330 retained).
Molecular consequence: synonymous variant.
Genome position (GRCh38, 1-based): chr10:77,980,175, G>A on the plus strand (C>T on the coding strand, the complement: POLR3A is on the minus strand). VCF-style: chr10-77980175-G-A. GRCh37 (hg19) VCF-style: chr10-79739933-G-A.
Identifiers: ClinVar variation 301035 (VCV000301035.38), dbSNP rs201875398, ClinGen allele CA5570633.